The following is an entry in ClinVar:

NM_014363.6(SACS):c.346-5G>A

Gene: SACS (sacsin molecular chaperone; minus strand). Cytogenetic location: 13q12.12.
Variant type: single nucleotide variant.
Coding change: c.346-5G>A on transcript NM_014363.6 (MANE Select); 5 bases into the intron before coding-DNA position 346, G replaced by A.
Molecular consequence: intron variant.
Genome position (GRCh38, 1-based): chr13:23,365,282, C>T on the plus strand (G>A on the coding strand, the complement: SACS is on the minus strand). VCF-style: chr13-23365282-C-T. GRCh37 (hg19) VCF-style: chr13-23939421-C-T.
Other names: c.346-5G>A (NM_014363.4); c.-96-5G>A (NM_001278055.2).
Identifiers: ClinVar variation 1116248 (VCV001116248.10), dbSNP rs80258644, ClinGen allele CA246684309.
Genomic context (GRCh38, chr13:23,365,282, plus strand): 5'-TCATATAAAAATTTAACTTCTGTCGCCCCAGCATCTTCTGCATTCTGAATTAATTCCTAA[C>T]CAAAAAATATACCAAAAAATAGTAATTAATAACACAGTAATCTACTGCTCATCTTTGTAT-3'

ClinVar aggregate classification (germline): Conflicting classifications of pathogenicity. Review status: criteria provided, conflicting classifications (1 of 4 stars). 2 submissions from 2 submitters: Uncertain significance (1); Likely benign (1). Last evaluated 2022-04-08.

Conditions:
Inborn genetic diseases. Identifiers: MedGen C0950123, MeSH D030342.
Spastic paraplegia. Identifiers: MedGen C0037772, HP:0001258.

Allele frequency attached by ClinVar (database versions not stated): 1000 Genomes Project 30x 0.00016; 1000 Genomes Project 0.00020.
gnomAD v4.1: 5 of 1,534,250 alleles (0.00033%); highest among the groups gnomAD compares: East Asian, 0.0023%; no homozygotes.

Submissions (2):

Labcorp Genetics (formerly Invitae), Labcorp
Classification: Likely benign for Spastic paraplegia. Last evaluated: 2022-04-08. Review status: criteria provided, single submitter. Criteria: Invitae Variant Classification Sherloc (09022015). Collection method: clinical testing. Allele origin: germline.

Ambry Genetics
Classification: Uncertain significance for Inborn genetic diseases. Last evaluated: 2021-08-30. Review status: criteria provided, single submitter. Criteria: Ambry Variant Classification Scheme 2023. Collection method: clinical testing. Allele origin: germline.
Comment: The c.346-5G>A intronic alteration consists of a G to A substitution 5 nucleotides before exon 6 (coding exon 5) of the SACS gene. Based on insufficient or conflicting evidence, the clinical significance of this alteration remains unclear.